The following is an entry in ClinVar:

ClinVar aggregate classification (germline): Conflicting classifications of pathogenicity. Review status: criteria provided, conflicting classifications (1 of 4 stars). 2 submissions from 2 submitters: Uncertain significance (1); Likely benign (1). Last evaluated 2024-03-07.

Conditions:
Mendelian susceptibility to mycobacterial diseases due to complete IL12RB1 deficiency. Also called: IL12RB1 DEFICIENCY; Immunodeficiency 30. Identifiers: Orphanet 319552, MedGen C4013949, MONDO:0013955, OMIM 614891.
Inborn genetic diseases. Identifiers: MedGen C0950123, MeSH D030342.

Allele frequency attached by ClinVar (database versions not stated): gnomAD 0.00001; ExAC 0.00002; gnomAD exomes 0.00002; TOPMed 0.00002.
gnomAD v4.1: 28 of 1,613,300 alleles (0.0017%); highest among the groups gnomAD compares: Non-Finnish European, 0.0023%; no homozygotes.

Submissions (2):

Ambry Genetics
Classification: Likely benign for Inborn genetic diseases. Last evaluated: 2024-03-07. Review status: criteria provided, single submitter. Criteria: Ambry Variant Classification Scheme 2023. Collection method: clinical testing. Allele origin: germline.

Labcorp Genetics (formerly Invitae), Labcorp
Classification: Uncertain significance for Mendelian susceptibility to mycobacterial diseases due to complete IL12RB1 deficiency. Last evaluated: 2021-12-08. Review status: criteria provided, single submitter. Criteria: Invitae Variant Classification Sherloc (09022015). Collection method: clinical testing. Allele origin: germline.
Comment: This sequence change replaces glutamic acid, which is acidic and polar, with lysine, which is basic and polar, at codon 425 of the IL12RB1 protein (p.Glu425Lys). This variant is present in population databases (rs775923325, gnomAD 0.004%). This variant has not been reported in the literature in individuals affected with IL12RB1-related conditions. Algorithms developed to predict the effect of missense changes on protein structure and function output the following: SIFT: "Tolerated"; PolyPhen-2: "Benign"; Align-GVGD: "Class C0". The lysine amino acid residue is found in multiple mammalian species, which suggests that this missense change does not adversely affect protein function. In summary, the available evidence is currently insufficient to determine the role of this variant in disease. Therefore, it has been classified as a Variant of Uncertain Significance.

NM_005535.3(IL12RB1):c.1273G>A (p.Glu425Lys)

Gene: IL12RB1 (interleukin 12 receptor subunit beta 1; minus strand). Cytogenetic location: 19p13.11.
Variant type: single nucleotide variant.
Coding change: c.1273G>A on transcript NM_005535.3 (MANE Select); coding-DNA position 1273, G replaced by A.
Protein change: p.Glu425Lys; replaces glutamic acid 425 with lysine.
Molecular consequence: missense variant.
Genome position (GRCh38, 1-based): chr19:18,068,443, C>T on the plus strand (G>A on the coding strand, the complement: IL12RB1 is on the minus strand). VCF-style: chr19-18068443-C-T. GRCh37 (hg19) VCF-style: chr19-18179253-C-T.
Other names: c.1273G>A, p.Glu425Lys (NM_001290023.2); c.1393G>A, p.Glu465Lys (NM_001290024.2); short protein forms E425K, E465K.
Identifiers: ClinVar variation 2066799 (VCV002066799.2), dbSNP rs775923325, ClinGen allele CA9304900.